The following is an entry in ClinVar:

ClinVar aggregate classification (germline): Likely benign. Review status: criteria provided, multiple submitters, no conflicts (2 of 4 stars). 2 submissions from 2 submitters: Likely benign (2). Last evaluated 2025-09-02.

Conditions:
CEP164-related disorder. Also called: CEP164-related condition.
Nephronophthisis 15 (NPHP15). Identifiers: Orphanet 3156, MedGen C3541853, MONDO:0013917, OMIM 614845.

Allele frequency attached by ClinVar (database versions not stated): gnomAD 0.00001; 1000 Genomes Project 30x 0.00016; 1000 Genomes Project 0.00020; TOPMed below 0.00001.
gnomAD v4.1: 28 of 1,614,210 alleles (0.0017%); highest among the groups gnomAD compares: Non-Finnish European, 0.0022%; no homozygotes.

Submissions (2):

PreventionGenetics, part of Exact Sciences
Classification: Likely benign for CEP164-related condition. Last evaluated: 2025-09-02. Review status: criteria provided, single submitter. Criteria: ACMG Guidelines, 2015. Collection method: clinical testing. Allele origin: germline.
Comment: This variant is classified as likely benign based on ACMG/AMP sequence variant interpretation guidelines (Richards et al. 2015 PMID: 25741868, with internal and published modifications).

Labcorp Genetics (formerly Invitae), Labcorp
Classification: Likely benign for Nephronophthisis 15. Last evaluated: 2023-05-16. Review status: criteria provided, single submitter. Criteria: Invitae Variant Classification Sherloc (09022015). Collection method: clinical testing. Allele origin: germline.

NM_014956.5(CEP164):c.2427G>A (p.Lys809=)

Gene: CEP164 (centrosomal protein 164; plus strand). Cytogenetic location: 11q23.3.
Variant type: single nucleotide variant.
Coding change: c.2427G>A on transcript NM_014956.5 (MANE Select); coding-DNA position 2427, G replaced by A.
Protein change: p.Lys809=; no amino-acid change (lysine 809 retained).
Molecular consequence: synonymous variant.
Genome position (GRCh38, 1-based): chr11:117,392,561, G>A. VCF-style: chr11-117392561-G-A. GRCh37 (hg19) VCF-style: chr11-117263277-G-A.
Other names: c.2436G>A, p.Lys812= (NM_001271933.2).
Identifiers: ClinVar variation 473080 (VCV000473080.10), dbSNP rs201002987, ClinGen allele CA6295062.
Genomic context (GRCh38, chr11:117,392,561, plus strand): 5'-CTCCAGCCTCCAGAAGAAGATACAGGAAGCTCAACAGAAAGAGGAGGCCCAGCTGCAGAA[G>A]TGCCTTGGGCAAGTGGAGCACAGAGTTCACCAGAAGTCTTATCACGTGGCTGGGTATGAG-3'
Protein context (NP_055771.4, residues 799-819): AQQKEEAQLQ[Lys809=]CLGQVEHRVH